The following is an entry in ClinVar:

NM_032603.5(LOXL3):c.1214G>A (p.Arg405Gln)

Gene: LOXL3 (lysyl oxidase like 3; minus strand). Cytogenetic location: 2p13.1.
Variant type: single nucleotide variant.
Coding change: c.1214G>A on transcript NM_032603.5 (MANE Select); coding-DNA position 1214, G replaced by A.
Protein change: p.Arg405Gln; replaces arginine 405 with glutamine.
Molecular consequence: missense variant.
Genome position (GRCh38, 1-based): chr2:74,536,030, C>T on the plus strand (G>A on the coding strand, the complement: LOXL3 is on the minus strand). VCF-style: chr2-74536030-C-T. GRCh37 (hg19) VCF-style: chr2-74763157-C-T.
Other names: c.779G>A, p.Arg260Gln (NM_001289164.3); c.131G>A, p.Arg44Gln (NM_001289165.2); c.1214G>A (NM_032603.2); short protein forms R260Q, R44Q, R405Q.
Identifiers: ClinVar variation 1357211 (VCV001357211.4), dbSNP rs199834184, ClinGen allele CA1728954.

ClinVar aggregate classification (germline): Uncertain significance. Review status: criteria provided, multiple submitters, no conflicts (2 of 4 stars). 2 submissions from 2 submitters: Uncertain significance (2). Last evaluated 2025-08-05.

Allele frequency attached by ClinVar (database versions not stated): gnomAD exomes 0.00004 and 0.00006; ExAC 0.00005; gnomAD 0.00019 and 0.00021; TOPMed 0.00022; ESP Exome Variant Server 0.00023.

Submissions (2):

Ambry Genetics
Classification: Uncertain significance. Last evaluated: 2025-08-05. Review status: criteria provided, single submitter. Criteria: Ambry Variant Classification Scheme 2023. Collection method: clinical testing. Allele origin: germline.

Labcorp Genetics (formerly Invitae), Labcorp
Classification: Uncertain significance. Last evaluated: 2022-08-23. Review status: criteria provided, single submitter. Criteria: Invitae Variant Classification Sherloc (09022015). Collection method: clinical testing. Allele origin: germline.
Comment: This sequence change replaces arginine, which is basic and polar, with glutamine, which is neutral and polar, at codon 405 of the LOXL3 protein (p.Arg405Gln). This variant is present in population databases (rs199834184, gnomAD 0.05%). This variant has not been reported in the literature in individuals affected with LOXL3-related conditions. ClinVar contains an entry for this variant (Variation ID: 1357211). Algorithms developed to predict the effect of missense changes on protein structure and function are either unavailable or do not agree on the potential impact of this missense change (SIFT: "Deleterious"; PolyPhen-2: "Benign"; Align-GVGD: "Class C35"). In summary, the available evidence is currently insufficient to determine the role of this variant in disease. Therefore, it has been classified as a Variant of Uncertain Significance.